The following is an entry in ClinVar:

NM_001354604.2(MITF):c.1411T>G (p.Tyr471Asp)

Gene: MITF (melanocyte inducing transcription factor; plus strand). Cytogenetic location: 3p13.
Variant type: single nucleotide variant.
Coding change: c.1411T>G on transcript NM_001354604.2 (MANE Select); coding-DNA position 1411, T replaced by G.
Protein change: p.Tyr471Asp; replaces tyrosine 471 with aspartic acid.
Molecular consequence: missense variant.
Genome position (GRCh38, 1-based): chr3:69,965,078, T>G. VCF-style: chr3-69965078-T-G. GRCh37 (hg19) VCF-style: chr3-70014229-T-G.
Other names: c.1090T>G, p.Tyr364Asp (NM_000248.4); c.1237T>G, p.Tyr413Asp (NM_001184967.2, NM_001354608.2); c.1408T>G, p.Tyr470Asp (NM_001354605.2); c.1390T>G, p.Tyr464Asp (NM_001354606.2, NM_006722.3); c.1342T>G, p.Tyr448Asp (NM_001354607.2); c.1072T>G, p.Tyr358Asp (NM_198158.3); c.1393T>G, p.Tyr465Asp (NM_198159.3); c.1345T>G, p.Tyr449Asp (NM_198177.3); and 1 more; short protein forms Y302D, Y358D, Y364D, Y413D, Y448D, Y449D, Y464D, Y465D.
Identifiers: ClinVar variation 3752555 (VCV003752555.2).
Genomic context (GRCh38, chr3:69,965,078, plus strand): 5'-ACGGATGGCACCATCACCTTCAACAACAACCTCGGAACTGGGACTGAGGCCAACCAAGCC[T>G]ATAGTGTCCCCACAAAAATGGGATCCAAACTGGAAGACATCCTGATGGACGACACCCTTT-3'
Protein context (NP_001341533.1, residues 461-481): LGTGTEANQA[Tyr471Asp]SVPTKMGSKL

ClinVar aggregate classification (germline): Uncertain significance (1 of 4 stars; one submission).

Conditions:
Waardenburg syndrome type 2A (WS2A). Also called: WAARDENBURG SYNDROME WITHOUT DYSTOPIA CANTHORUM. Identifiers: Orphanet 3440, MedGen C1860339, MONDO:0008671, OMIM 193510.
Tietz syndrome (TADS). Also called: ALBINISM-DEAFNESS OF TIETZ; HYPOPIGMENTATION/DEAFNESS OF TIETZ; TIETZ ALBINISM-DEAFNESS SYNDROME. Identifiers: Orphanet 42665, MedGen C0391816, MONDO:0007077, OMIM 103500.
Melanoma, cutaneous malignant, susceptibility to, 8. Also called: MELANOMA AND RENAL CELL CARCINOMA, SUSCEPTIBILITY TO; Cutaneous malignant melanoma 8. Identifiers: Orphanet 293822, MedGen C3152204, MONDO:0013759, OMIM 614456.

Submission:

Labcorp Genetics (formerly Invitae), Labcorp
Classification: Uncertain significance for Melanoma, cutaneous malignant, susceptibility to, 8; Waardenburg syndrome type 2A; Tietz syndrome. Last evaluated: 2024-04-10. Review status: criteria provided, single submitter. Criteria: Invitae Variant Classification Sherloc (09022015). Collection method: clinical testing. Allele origin: germline.
Comment: This sequence change replaces tyrosine, which is neutral and polar, with aspartic acid, which is acidic and polar, at codon 364 of the MITF protein (p.Tyr364Asp). This variant is not present in population databases (gnomAD no frequency). This variant has not been reported in the literature in individuals affected with MITF-related conditions. Advanced modeling of protein sequence and biophysical properties (such as structural, functional, and spatial information, amino acid conservation, physicochemical variation, residue mobility, and thermodynamic stability) performed at Invitae indicates that this missense variant is not expected to disrupt MITF protein function with a negative predictive value of 80%. In summary, the available evidence is currently insufficient to determine the role of this variant in disease. Therefore, it has been classified as a Variant of Uncertain Significance.